The following is an entry in ClinVar:

NM_001378454.1(ALMS1):c.1710A>C (p.Val570=)

Gene: ALMS1 (ALMS1 centrosome and basal body associated protein; plus strand). Cytogenetic location: 2p13.1.
Variant type: single nucleotide variant.
Coding change: c.1710A>C on transcript NM_001378454.1 (MANE Select); coding-DNA position 1710, A replaced by C.
Protein change: p.Val570=; no amino-acid change (valine 570 retained).
Molecular consequence: synonymous variant.
Genome position (GRCh38, 1-based): chr2:73,448,237, A>C. VCF-style: chr2-73448237-A-C. GRCh37 (hg19) VCF-style: chr2-73675364-A-C.
Other names: c.1713A>C, p.Val571= (NM_015120.4).
Identifiers: ClinVar variation 512484 (VCV000512484.16), dbSNP rs201095989, ClinGen allele CA1713214.

ClinVar aggregate classification (germline): Likely benign. Review status: criteria provided, multiple submitters, no conflicts (2 of 4 stars). 5 submissions from 5 submitters: Likely benign (4). 1 of the submissions does not count toward it. Last evaluated 2025-11-23.

Conditions:
Cardiovascular phenotype. Identifiers: MedGen CN230736.
Alstrom syndrome (ALMS). Identifiers: Orphanet 64, MedGen C0268425, MONDO:0008763, OMIM 203800.

Allele frequency attached by ClinVar (database versions not stated): ExAC 0.00002; gnomAD exomes 0.00002; TOPMed 0.00004; gnomAD 0.00005; 1000 Genomes Project 30x 0.00016; 1000 Genomes Project 0.00020.
gnomAD v4.1: 110 of 1,614,002 alleles (0.0068%); highest among the groups gnomAD compares: Non-Finnish European, 0.0086%; no homozygotes.

Submissions (5):

Labcorp Genetics (formerly Invitae), Labcorp
Classification: Likely benign for Alstrom syndrome. Last evaluated: 2025-11-23. Review status: criteria provided, single submitter. Criteria: Invitae Variant Classification Sherloc (09022015). Collection method: clinical testing. Allele origin: germline.

Blueprint Genetics
Classification: Likely benign. Last evaluated: 2022-03-30. Review status: criteria provided, single submitter. Criteria: ACMG Guidelines, 2015. Collection method: clinical testing. Allele origin: germline.

Ambry Genetics
Classification: Likely benign for Cardiovascular phenotype. Last evaluated: 2021-07-04. Review status: criteria provided, single submitter. Criteria: Ambry Variant Classification Scheme 2023. Collection method: clinical testing. Allele origin: germline.

GeneDx
Classification: Likely benign. Last evaluated: 2017-10-05. Review status: criteria provided, single submitter. Criteria: GeneDx Variant Classification (06012015). Collection method: clinical testing. Allele origin: germline. Affected: yes.
Comment: This variant is considered likely benign or benign based on one or more of the following criteria: it is a conservative change, it occurs at a poorly conserved position in the protein, it is predicted to be benign by multiple in silico algorithms, and/or has population frequency not consistent with disease.

Counsyl
Classification: Likely benign for Alstrom syndrome. Last evaluated: 2017-06-21. Review status: no assertion criteria provided. Collection method: clinical testing. Allele origin: unknown. Not counted in ClinVar's aggregate classification.